The following is an entry in ClinVar:

NM_001903.5(CTNNA1):c.176A>G (p.His59Arg)

Gene: CTNNA1 (catenin alpha 1; plus strand). Cytogenetic location: 5q31.2.
Variant type: single nucleotide variant.
Coding change: c.176A>G on transcript NM_001903.5 (MANE Select); coding-DNA position 176, A replaced by G.
Protein change: p.His59Arg; replaces histidine 59 with arginine.
Molecular consequence: missense variant. On other transcripts: 5 prime UTR variant (1), intron variant (1).
Genome position (GRCh38, 1-based): chr5:138,783,247, A>G. VCF-style: chr5-138783247-A-G. GRCh37 (hg19) VCF-style: chr5-138118936-A-G.
Other names: c.176A>G, p.His59Arg (NM_001290307.3, NM_001323982.2, NM_001323983.1 and 3 more transcripts); c.-31A>G (NM_001290310.3); c.-9+1218A>G (NM_001290309.3); short protein forms H59R.
Identifiers: ClinVar variation 1471776 (VCV001471776.11), dbSNP rs375006246, ClinGen allele CA3431371.

ClinVar aggregate classification (germline): Uncertain significance. Review status: criteria provided, multiple submitters, no conflicts (2 of 4 stars). 2 submissions from 2 submitters: Uncertain significance (2). Last evaluated 2025-03-11.

Conditions:
Hereditary cancer-predisposing syndrome. Also called: Tumor predisposition; Hereditary Cancer Syndrome; Hereditary neoplastic syndrome; Neoplastic Syndromes, Hereditary. Identifiers: Orphanet 140162, MedGen C0027672, MeSH D009386, MONDO:0015356.

Allele frequency attached by ClinVar (database versions not stated): gnomAD exomes below 0.00001 and 0.00002; gnomAD 0.00001; TOPMed 0.00001; ExAC 0.00003; ESP Exome Variant Server 0.00008.
gnomAD v4.1: 7 of 1,614,064 alleles (0.00043%); highest among the groups gnomAD compares: African/African-American, 0.0027%; no homozygotes.

Submissions (2):

Ambry Genetics
Classification: Uncertain significance for Hereditary cancer-predisposing syndrome. Last evaluated: 2025-03-11. Review status: criteria provided, single submitter. Criteria: Ambry Variant Classification Scheme 2023. Collection method: clinical testing. Allele origin: germline.
Comment: The p.H59R variant (also known as c.176A>G), located in coding exon 2 of the CTNNA1 gene, results from an A to G substitution at nucleotide position 176. The histidine at codon 59 is replaced by arginine, an amino acid with highly similar properties. This amino acid position is highly conserved in available vertebrate species. In addition, the in silico prediction for this alteration is inconclusive. The evidence for this gene-disease relationship is limited; therefore, the clinical significance of this alteration is unclear.

Labcorp Genetics (formerly Invitae), Labcorp
Classification: Uncertain significance. Last evaluated: 2024-05-21. Review status: criteria provided, single submitter. Criteria: Invitae Variant Classification Sherloc (09022015). Collection method: clinical testing. Allele origin: germline.
Comment: This sequence change replaces histidine, which is basic and polar, with arginine, which is basic and polar, at codon 59 of the CTNNA1 protein (p.His59Arg). This variant is present in population databases (rs375006246, gnomAD 0.01%). This variant has not been reported in the literature in individuals affected with CTNNA1-related conditions. ClinVar contains an entry for this variant (Variation ID: 1471776). Advanced modeling of protein sequence and biophysical properties (such as structural, functional, and spatial information, amino acid conservation, physicochemical variation, residue mobility, and thermodynamic stability) performed at Invitae indicates that this missense variant is not expected to disrupt CTNNA1 protein function with a negative predictive value of 80%. In summary, the available evidence is currently insufficient to determine the role of this variant in disease. Therefore, it has been classified as a Variant of Uncertain Significance.